The following is an entry in ClinVar:

NM_000327.4(ROM1):c.495G>T (p.Arg165Ser)

Gene: ROM1 (retinal outer segment membrane protein 1; plus strand). Cytogenetic location: 11q12.3.
Variant type: single nucleotide variant.
Coding change: c.495G>T on transcript NM_000327.4 (MANE Select); coding-DNA position 495, G replaced by T.
Protein change: p.Arg165Ser; replaces arginine 165 with serine.
Molecular consequence: missense variant.
Genome position (GRCh38, 1-based): chr11:62,613,776, G>T. VCF-style: chr11-62613776-G-T. GRCh37 (hg19) VCF-style: chr11-62381248-G-T.
Other names: short protein forms R165S.
Identifiers: ClinVar variation 1968380 (VCV001968380.5), dbSNP rs1209238378, ClinGen allele CA380970065.

ClinVar aggregate classification (germline): Uncertain significance (1 of 4 stars; one submission).

Allele frequency attached by ClinVar (database versions not stated): TOPMed below 0.00001; gnomAD 0.00001.

Submission:

Labcorp Genetics (formerly Invitae), Labcorp
Classification: Uncertain significance. Last evaluated: 2024-11-05. Review status: criteria provided, single submitter. Criteria: Invitae Variant Classification Sherloc (09022015). Collection method: clinical testing. Allele origin: germline.
Comment: This sequence change replaces arginine, which is basic and polar, with serine, which is neutral and polar, at codon 165 of the ROM1 protein (p.Arg165Ser). This variant is present in population databases (no rsID available, gnomAD 0.01%). This variant has not been reported in the literature in individuals affected with ROM1-related conditions. ClinVar contains an entry for this variant (Variation ID: 1968380). Invitae Evidence Modeling of protein sequence and biophysical properties (such as structural, functional, and spatial information, amino acid conservation, physicochemical variation, residue mobility, and thermodynamic stability) indicates that this missense variant is not expected to disrupt ROM1 protein function with a negative predictive value of 80%. In summary, the available evidence is currently insufficient to determine the role of this variant in disease. Therefore, it has been classified as a Variant of Uncertain Significance.